The following is an entry in ClinVar:

NM_001298.3(CNGA3):c.661C>G (p.Arg221Gly)

Gene: CNGA3 (cyclic nucleotide gated channel subunit alpha 3; plus strand). Cytogenetic location: 2q11.2.
Variant type: single nucleotide variant.
Coding change: c.661C>G on transcript NM_001298.3 (MANE Select); coding-DNA position 661, C replaced by G.
Protein change: p.Arg221Gly; replaces arginine 221 with glycine.
Molecular consequence: missense variant.
Genome position (GRCh38, 1-based): chr2:98,391,958, C>G. VCF-style: chr2-98391958-C-G. GRCh37 (hg19) VCF-style: chr2-99008421-C-G.
Other names: c.607C>G, p.Arg203Gly (NM_001079878.2); short protein forms R203G, R221G.
Identifiers: ClinVar variation 1976745 (VCV001976745.5), dbSNP rs770713600, ClinGen allele CA347831869.

ClinVar aggregate classification (germline): Uncertain significance (1 of 4 stars; one submission).

gnomAD v4.1: 2 of 1,613,868 alleles (0.00012%); highest among the groups gnomAD compares: East Asian, 0.0045%; no homozygotes.

Submission:

Labcorp Genetics (formerly Invitae), Labcorp
Classification: Uncertain significance. Last evaluated: 2022-05-16. Review status: criteria provided, single submitter. Criteria: Invitae Variant Classification Sherloc (09022015). Collection method: clinical testing. Allele origin: germline.
Comment: In summary, the available evidence is currently insufficient to determine the role of this variant in disease. Therefore, it has been classified as a Variant of Uncertain Significance. Advanced modeling of protein sequence and biophysical properties (such as structural, functional, and spatial information, amino acid conservation, physicochemical variation, residue mobility, and thermodynamic stability) performed at Invitae indicates that this missense variant is expected to disrupt CNGA3 protein function. This variant has not been reported in the literature in individuals affected with CNGA3-related conditions. This variant is not present in population databases (gnomAD no frequency). This sequence change replaces arginine, which is basic and polar, with glycine, which is neutral and non-polar, at codon 221 of the CNGA3 protein (p.Arg221Gly).